The following is an entry in ClinVar:

NM_000088.4(COL1A1):c.2451+5G>A

Gene: COL1A1 (collagen type I alpha 1 chain; minus strand). Cytogenetic location: 17q21.33.
Variant type: single nucleotide variant.
Coding change: c.2451+5G>A on transcript NM_000088.4 (MANE Select); 5 bases into the intron after coding-DNA position 2451, G replaced by A.
Molecular consequence: intron variant.
Genome position (GRCh38, 1-based): chr17:50,190,322, C>T on the plus strand (G>A on the coding strand, the complement: COL1A1 is on the minus strand). VCF-style: chr17-50190322-C-T. GRCh37 (hg19) VCF-style: chr17-48267683-C-T.
Identifiers: ClinVar variation 1431000 (VCV001431000.8), dbSNP rs2144554325, ClinGen allele CA2573154233.

ClinVar aggregate classification (germline): Pathogenic (1 of 4 stars; one submission).

Conditions:
Osteogenesis imperfecta type I (OI1). Also called: Classic Non-deforming Osteogenesis Imperfecta with Blue Sclerae; Lobstein's Disease; Lobstein disease; OI, TYPE I; OSTEOGENESIS IMPERFECTA TARDA; OSTEOGENESIS IMPERFECTA WITH BLUE SCLERAE. Identifiers: Orphanet 216796, Orphanet 666, MedGen C0023931, MONDO:0008146, OMIM 166200. Disease mechanism: loss of function.

Submission:

Labcorp Genetics (formerly Invitae), Labcorp
Classification: Pathogenic for Osteogenesis imperfecta type I. Last evaluated: 2025-11-13. Review status: criteria provided, single submitter. Criteria: Invitae Variant Classification Sherloc (09022015). Collection method: clinical testing. Allele origin: germline.
Comment: This sequence change falls in intron 35 of the COL1A1 gene. It does not directly change the encoded amino acid sequence of the COL1A1 protein. It affects a nucleotide within the consensus splice site. This variant is not present in population databases (gnomAD no frequency). This variant has been observed in individuals with osteogenesis imperfecta (PMID: 25963598, 30715774). ClinVar contains an entry for this variant (Variation ID: 1431000). Variants that disrupt the consensus splice site are a relatively common cause of aberrant splicing (PMID: 17576681, 9536098). Algorithms developed to predict the effect of sequence changes on RNA splicing suggest that this variant may disrupt the consensus splice site. For these reasons, this variant has been classified as Pathogenic.

Literature cited by the submitters: PubMed 25963598; PubMed 30715774; PubMed 17576681; PubMed 9536098.